The following is an entry in ClinVar:

NM_003334.4(UBA1):c.1052A>G (p.Asn351Ser)

Gene: UBA1 (ubiquitin like modifier activating enzyme 1; plus strand). Cytogenetic location: Xp11.3.
Variant type: single nucleotide variant.
Coding change: c.1052A>G on transcript NM_003334.4 (MANE Select); coding-DNA position 1052, A replaced by G.
Protein change: p.Asn351Ser; replaces asparagine 351 with serine.
Molecular consequence: missense variant.
Genome position (GRCh38, 1-based): chrX:47,202,500, A>G. VCF-style: chrX-47202500-A-G. GRCh37 (hg19) VCF-style: chrX-47061899-A-G.
Other names: c.1052A>G, p.Asn351Ser (NM_153280.3); short protein forms N351S.
Identifiers: ClinVar variation 655276 (VCV000655276.12), dbSNP rs782429883, ClinGen allele CA10395822.

ClinVar aggregate classification (germline): Uncertain significance. Review status: criteria provided, multiple submitters, no conflicts (2 of 4 stars). 2 submissions from 2 submitters: Uncertain significance (2). Last evaluated 2025-03-31.

Conditions:
Inborn genetic diseases. Identifiers: MedGen C0950123, MeSH D030342.
Infantile-onset X-linked spinal muscular atrophy. Also called: Spinal Muscular Atrophy, X-Linked Infantile; Spinal muscular atrophy, X-linked 2; AMC, DISTAL, X-LINKED; ARTHROGRYPOSIS, X-LINKED, TYPE I; SPINAL MUSCULAR ATROPHY, X-LINKED LETHAL INFANTILE. Identifiers: Orphanet 1145, MedGen C1844934, MONDO:0010532, OMIM 301830.

Allele frequency attached by ClinVar (database versions not stated): TOPMed 0.00001; ExAC 0.00002; gnomAD 0.00002; gnomAD exomes 0.00001.

Submissions (3):

Labcorp Genetics (formerly Invitae), Labcorp
Classification: Uncertain significance for Infantile-onset X-linked spinal muscular atrophy. Last evaluated: 2025-03-31. Review status: criteria provided, single submitter. Criteria: Invitae Variant Classification Sherloc (09022015). Collection method: clinical testing. Allele origin: germline.
Comment: This sequence change replaces asparagine, which is neutral and polar, with serine, which is neutral and polar, at codon 351 of the UBA1 protein (p.Asn351Ser). This variant is present in population databases (rs782429883, gnomAD 0.006%), including at least one homozygous and/or hemizygous individual. This variant has not been reported in the literature in individuals affected with UBA1-related conditions. ClinVar contains an entry for this variant (Variation ID: 655276). An algorithm developed to predict the effect of missense changes on protein structure and function outputs the following: PolyPhen-2: "Benign". The serine amino acid residue is found in multiple mammalian species, which suggests that this missense change does not adversely affect protein function. In summary, the available evidence is currently insufficient to determine the role of this variant in disease. Therefore, it has been classified as a Variant of Uncertain Significance.

Ambry Genetics
Classification: Uncertain significance for Inborn genetic diseases. Last evaluated: 2021-08-10. Review status: criteria provided, single submitter. Criteria: Ambry Variant Classification Scheme 2023. Collection method: clinical testing. Allele origin: germline.

Dr. Peter K. Rogan Lab, Western University
No classification provided (evidence only). Condition: Cervical cancer. Review status: no classification provided. Collection method: in vitro. Allele origin: not applicable. Functional consequence: retained intron. Not counted in ClinVar's aggregate classification.